The following is an entry in ClinVar:

NM_000540.3(RYR1):c.725G>A (p.Arg242Lys)

Gene: RYR1 (ryanodine receptor 1; plus strand). Cytogenetic location: 19q13.2.
Variant type: single nucleotide variant.
Coding change: c.725G>A on transcript NM_000540.3 (MANE Select); coding-DNA position 725, G replaced by A.
Protein change: p.Arg242Lys; replaces arginine 242 with lysine.
Molecular consequence: missense variant.
Genome position (GRCh38, 1-based): chr19:38,446,565, G>A. VCF-style: chr19-38446565-G-A. GRCh37 (hg19) VCF-style: chr19-38937205-G-A.
Other names: c.725G>A, p.Arg242Lys (NM_001042723.2); short protein forms R242K.
Identifiers: ClinVar variation 3233234 (VCV003233234.3), dbSNP rs2513987029.

ClinVar aggregate classification (germline): Likely pathogenic. Review status: criteria provided, multiple submitters, no conflicts (2 of 4 stars). 2 submissions from 2 submitters: Likely pathogenic (2). Last evaluated 2026-04-16.

Conditions:
Centronuclear myopathy (CNM). Also called: Myotubular myopathy; Centronuclear myopathy, congenital. Identifiers: Orphanet 595, MedGen C0175709, MONDO:0018947. Inheritance: All.

Submissions (2):

GeneDx
Classification: Likely pathogenic. Last evaluated: 2026-04-16. Review status: criteria provided, single submitter. Criteria: GeneDx Variant Classification Process June 2021. Collection method: clinical testing. Allele origin: germline.
Comment: Alters the last nucleotide of the exon and is predicted to destroy the splice donor site and result in aberrant splicing, although in the absence of functional evidence the actual effect of this sequence change is unknown; Not observed at significant frequency in large population cohorts (gnomAD); This variant is associated with the following publications: (PMID: 33767344, 28818389)

Muscle and Diseases Team, Institut de Génétique et Biologie Moléculaire et Cellulaire
Classification: Likely pathogenic for Centronuclear myopathy. Last evaluated: 2024-03-01. Review status: criteria provided, single submitter. Criteria: ACMG Guidelines, 2015. Collection method: research. Allele origin: unknown. Affected: yes. Observed: 1 variant allele.
Comment: PM2+PM3+PP2+PP3

Literature cited by the submitters: DOI 10.1186/s13073-024-01353-0 (cited by Muscle and Diseases Team, Institut de Génétique et Biologie Moléculaire et Cellulaire); PubMed 28818389 (cited by Muscle and Diseases Team, Institut de Génétique et Biologie Moléculaire et Cellulaire).